The following is an entry in ClinVar:

ClinVar aggregate classification (germline): Uncertain significance. Review status: criteria provided, multiple submitters, no conflicts (2 of 4 stars). 2 submissions from 2 submitters: Uncertain significance (2). Last evaluated 2026-07-02.

Conditions:
Hereditary cancer-predisposing syndrome. Also called: Hereditary Cancer Syndrome; Tumor predisposition; Hereditary neoplastic syndrome; Neoplastic Syndromes, Hereditary. Identifiers: Orphanet 140162, MedGen C0027672, MeSH D009386, MONDO:0015356.
Familial cancer of breast. Also called: Hereditary breast cancer; hereditary breast carcinoma; BREAST CANCER, FAMILIAL. Identifiers: Orphanet 227535, MedGen C0346153, MONDO:0016419, OMIM 114480. Disease mechanism: loss of function.
Fanconi anemia complementation group J. Also called: BRIP1-Related Fanconi Anemia. Identifiers: Orphanet 84, MedGen C1836860, MONDO:0012187, OMIM 609054.

Submissions (2):

Ambry Genetics
Classification: Uncertain significance for Hereditary cancer-predisposing syndrome. Last evaluated: 2026-07-02. Review status: criteria provided, single submitter. Criteria: Ambry Variant Classification Scheme 2023. Collection method: clinical testing. Allele origin: germline.
Comment: The p.L456H variant (also known as c.1367T>A), located in coding exon 9 of the BRIP1 gene, results from a T to A substitution at nucleotide position 1367. The leucine at codon 456 is replaced by histidine, an amino acid with similar properties. This amino acid position is conserved. In addition, the in silico prediction for this alteration is inconclusive. Based on the available evidence, the clinical significance of this variant remains unclear.

Labcorp Genetics (formerly Invitae), Labcorp
Classification: Uncertain significance for Familial cancer of breast; Fanconi anemia complementation group J. Last evaluated: 2017-08-16. Review status: criteria provided, single submitter. Criteria: Invitae Variant Classification Sherloc (09022015). Collection method: clinical testing. Allele origin: germline.
Comment: In summary, the available evidence is currently insufficient to determine the role of this variant in disease. Therefore, it has been classified as a Variant of Uncertain Significance. Algorithms developed to predict the effect of missense changes on protein structure and function do not agree on the potential impact of this missense change (SIFT: "Tolerated"; PolyPhen-2: "Probably Damaging"; Align-GVGD: "Class C0"). This variant has not been reported in the literature in individuals with BRIP1-related disease. This variant is not present in population databases (ExAC no frequency). This sequence change replaces leucine with histidine at codon 456 of the BRIP1 protein (p.Leu456His). The leucine residue is moderately conserved and there is a moderate physicochemical difference between leucine and histidine.

NM_032043.3(BRIP1):c.1367T>A (p.Leu456His)

Gene: BRIP1 (BRCA1 interacting DNA helicase 1; minus strand). Cytogenetic location: 17q23.2.
Variant type: single nucleotide variant.
Coding change: c.1367T>A on transcript NM_032043.3 (MANE Select); coding-DNA position 1367, T replaced by A.
Protein change: p.Leu456His; replaces leucine 456 with histidine.
Molecular consequence: missense variant.
Genome position (GRCh38, 1-based): chr17:61,793,703, A>T on the plus strand (T>A on the coding strand, the complement: BRIP1 is on the minus strand). VCF-style: chr17-61793703-A-T. GRCh37 (hg19) VCF-style: chr17-59871064-A-T.
Other names: short protein forms L456H.
Identifiers: ClinVar variation 530341 (VCV000530341.10), dbSNP rs1555605947, ClinGen allele CA400482268.